The following is an entry in ClinVar:

ClinVar aggregate classification (germline): Pathogenic (1 of 4 stars; one submission).

Submission:

Labcorp Genetics (formerly Invitae), Labcorp
Classification: Pathogenic. Last evaluated: 2025-08-29. Review status: criteria provided, single submitter. Criteria: Invitae Variant Classification Sherloc (09022015). Collection method: clinical testing. Allele origin: germline.
Comment: This sequence change creates a premature translational stop signal (p.Gln1875*) in the CACNA1B gene. It is expected to result in an absent or disrupted protein product. Loss-of-function variants in CACNA1B are known to be pathogenic (PMID: 30982612). This variant is not present in population databases (gnomAD no frequency). This variant has not been reported in the literature in individuals affected with CACNA1B-related conditions. Algorithms developed to predict the effect of sequence changes on RNA splicing suggest that this variant may disrupt the consensus splice site. For these reasons, this variant has been classified as Pathogenic.

Literature cited by the submitters: PubMed 30982612.

NM_000718.4(CACNA1B):c.5623C>T (p.Gln1875Ter)

Gene: CACNA1B (calcium voltage-gated channel subunit alpha1 B; plus strand). Cytogenetic location: 9q34.3.
Variant type: single nucleotide variant.
Coding change: c.5623C>T on transcript NM_000718.4 (MANE Select); coding-DNA position 5623, C replaced by T.
Protein change: p.Gln1875Ter; replaces glutamine 1875 with a stop codon.
Molecular consequence: nonsense.
Genome position (GRCh38, 1-based): chr9:138,114,464, C>T. VCF-style: chr9-138114464-C-T. GRCh37 (hg19) VCF-style: chr9-141008916-C-T.
Other names: c.5623C>T, p.Gln1875Ter (NM_001243812.2); short protein forms Q1875*.
Identifiers: ClinVar variation 4726208 (VCV004726208.1).